The following is an entry in ClinVar:

ClinVar aggregate classification (germline): Likely benign (1 of 4 stars; one submission).

gnomAD v4.1: 5,634 of 958,899 alleles (0.59%); highest among the groups gnomAD compares: Non-Finnish European, 0.67%; 15 homozygotes.

Submission:

GeneDx
Classification: Likely benign. Last evaluated: 2021-05-26. Review status: criteria provided, single submitter. Criteria: GeneDx Variant Classification Process June 2021. Collection method: clinical testing. Allele origin: germline. Affected: yes.
Comment: See Variant Classification Assertion Criteria.

NM_000206.3(IL2RG):c.116-88A>T

Genes: IL2RG (interleukin 2 receptor subunit gamma; minus strand), LOC126863274 (MED14-independent group 3 enhancer GRCh37_chrX:70330888-70332087; plus strand). Cytogenetic location: Xq13.1.
Variant type: single nucleotide variant.
Coding change: c.116-88A>T on transcript NM_000206.3 (MANE Select); 88 bases into the intron before coding-DNA position 116, A replaced by T.
Molecular consequence: intron variant.
Genome position (GRCh38, 1-based): chrX:71,111,138, T>A on the plus strand (A>T on the coding strand, the complement: IL2RG is on the minus strand). VCF-style: chrX-71111138-T-A. GRCh37 (hg19) VCF-style: chrX-70330988-T-A.
Other names: c.116-88A>T (NM_001438870.1).
Identifiers: ClinVar variation 4813939 (VCV004813939.1).